The following is an entry in ClinVar:

ClinVar aggregate classification (germline): Uncertain significance. Review status: criteria provided, multiple submitters, no conflicts (2 of 4 stars). 2 submissions from 2 submitters: Uncertain significance (2). Last evaluated 2025-12-10.

Conditions:
Inborn genetic diseases. Identifiers: MedGen C0950123, MeSH D030342.

Allele frequency attached by ClinVar (database versions not stated): gnomAD exomes 0.00001 and below 0.00001; gnomAD 0.00001; ExAC 0.00001.
gnomAD v4.1: 5 of 1,613,756 alleles (0.00031%); highest among the groups gnomAD compares: South Asian, 0.0044%; no homozygotes.

Submissions (2):

Ambry Genetics
Classification: Uncertain significance for Inborn genetic diseases. Last evaluated: 2025-12-10. Review status: criteria provided, single submitter. Criteria: Ambry Variant Classification Scheme 2023. Collection method: clinical testing. Allele origin: germline.

Labcorp Genetics (formerly Invitae), Labcorp
Classification: Uncertain significance. Last evaluated: 2021-09-02. Review status: criteria provided, single submitter. Criteria: Invitae Variant Classification Sherloc (09022015). Collection method: clinical testing. Allele origin: germline.
Comment: This sequence change replaces tyrosine with cysteine at codon 2228 of the NBAS protein (p.Tyr2228Cys). The tyrosine residue is highly conserved and there is a large physicochemical difference between tyrosine and cysteine. This variant is present in population databases (rs770348650, ExAC 0.006%). This variant has not been reported in the literature in individuals affected with NBAS-related conditions. Algorithms developed to predict the effect of missense changes on protein structure and function (SIFT, PolyPhen-2, Align-GVGD) all suggest that this variant is likely to be disruptive. In summary, the available evidence is currently insufficient to determine the role of this variant in disease. Therefore, it has been classified as a Variant of Uncertain Significance.

NM_015909.4(NBAS):c.6683A>G (p.Tyr2228Cys)

Gene: NBAS (NBAS subunit of NRZ tethering complex; minus strand). Cytogenetic location: 2p24.3.
Variant type: single nucleotide variant.
Coding change: c.6683A>G on transcript NM_015909.4 (MANE Select); coding-DNA position 6683, A replaced by G.
Protein change: p.Tyr2228Cys; replaces tyrosine 2228 with cysteine.
Molecular consequence: missense variant. On other transcripts: non-coding transcript variant (1).
Genome position (GRCh38, 1-based): chr2:15,186,770, T>C on the plus strand (A>G on the coding strand, the complement: NBAS is on the minus strand). VCF-style: chr2-15186770-T-C. GRCh37 (hg19) VCF-style: chr2-15326894-T-C.
Other names: c.6683A>G (NM_015909.2); short protein forms Y2228C.
Identifiers: ClinVar variation 1464670 (VCV001464670.6), dbSNP rs770348650, ClinGen allele CA1534933.